The following is an entry in ClinVar:

NM_001853.4(COL9A3):c.1054-1G>A

Gene: COL9A3 (collagen type IX alpha 3 chain; plus strand). Cytogenetic location: 20q13.33.
Variant type: single nucleotide variant.
Coding change: c.1054-1G>A on transcript NM_001853.4 (MANE Select); the canonical splice acceptor site of the intron before coding-DNA position 1054, G replaced by A.
Molecular consequence: splice acceptor variant.
Genome position (GRCh38, 1-based): chr20:62,829,627, G>A. VCF-style: chr20-62829627-G-A. GRCh37 (hg19) VCF-style: chr20-61460979-G-A.
Identifiers: ClinVar variation 2995654 (VCV002995654.3), dbSNP rs777965896, ClinGen allele CA9949736.
Genomic context (GRCh38, chr20:62,829,627, plus strand): 5'-GCCAGCGACCTGGCCCCAGTGCAGGTGTAGGCAGGCACTCACAGCTCTCCTTCCTCTACA[G>A]GGCAGAGCTGGGGAGCTGGGTGAGGCCGGCCCCTCTGGAGAGCCAGGCGTCCCTGTGAGT-3'

ClinVar aggregate classification (germline): Uncertain significance (1 of 4 stars; one submission).

Allele frequency attached by ClinVar (database versions not stated): ExAC 0.00001; gnomAD exomes 0.00001.
gnomAD v4.1: 4 of 1,609,870 alleles (0.00025%); highest among the groups gnomAD compares: South Asian, 0.0044%; no homozygotes.

Submission:

Labcorp Genetics (formerly Invitae), Labcorp
Classification: Uncertain significance. Last evaluated: 2023-01-19. Review status: criteria provided, single submitter. Criteria: Invitae Variant Classification Sherloc (09022015). Collection method: clinical testing. Allele origin: germline.
Comment: This sequence change affects an acceptor splice site in intron 20 of the COL9A3 gene. Variants that disrupt the donor or acceptor splice site typically lead to a loss of protein function (PMID: 16199547), however it is unknown whether splice variants in this region will result in a loss of function. The frequency data for this variant in the population databases is considered unreliable, as metrics indicate poor data quality at this position in the gnomAD database. This variant has not been reported in the literature in individuals affected with COL9A3-related conditions. Algorithms developed to predict the effect of sequence changes on RNA splicing suggest that this variant may disrupt the consensus splice site. In summary, the available evidence is currently insufficient to determine the role of this variant in disease. Therefore, it has been classified as a Variant of Uncertain Significance.

Literature cited by the submitters: PubMed 16199547.